The following is an entry in ClinVar:

ClinVar aggregate classification (germline): Uncertain significance (1 of 4 stars; one submission).

gnomAD v4.1: 4 of 1,612,426 alleles (0.00025%); highest among the groups gnomAD compares: Non-Finnish European, 0.00034%; no homozygotes.

Submission:

Women's Health and Genetics/Laboratory Corporation of America, LabCorp
Classification: Uncertain significance. Last evaluated: 2022-08-03. Review status: criteria provided, single submitter. Criteria: LabCorp Variant Classification Summary - May 2015. Collection method: clinical testing. Allele origin: germline.
Comment: Variant summary: ATP13A2 c.3543G>T (p.X1181TyrextX15) changes the termination codon and is predicted to lead to an extended protein with additional amino acids added to the normal C-terminus. It also causes a frameshift which results in a stop codon following the extension of the protein by 15 amino acids. Two of two in-silico tools predict a benign effect of the variant on protein function. The variant was absent in 242182 control chromosomes (gnomAD). The available data on variant occurrences in the general population are insufficient to allow any conclusion about variant significance. To our knowledge, no occurrence of c.3543G>T in individuals affected with ATP13A2-related disorders such as Neurodegeneration With Brain Iron Accumulation and no experimental evidence demonstrating its impact on protein function have been reported. No clinical diagnostic laboratories have submitted clinical-significance assessments for this variant to ClinVar after 2014. Based on the evidence outlined above, the variant was classified as uncertain significance.

NM_022089.4(ATP13A2):c.3543G>T (p.Ter1181Tyr)

Gene: ATP13A2 (ATPase cation transporting 13A2; minus strand). Cytogenetic location: 1p36.13.
Variant type: single nucleotide variant.
Coding change: c.3543G>T on transcript NM_022089.4 (MANE Select); coding-DNA position 3543, G replaced by T.
Protein change: p.Ter1181Tyr.
Molecular consequence: stop lost. On other transcripts: missense variant (1).
Genome position (GRCh38, 1-based): chr1:16,986,221, C>A on the plus strand (G>T on the coding strand, the complement: ATP13A2 is on the minus strand). VCF-style: chr1-16986221-C-A. GRCh37 (hg19) VCF-style: chr1-17312716-C-A.
Other names: c.3528G>T, p.Ter1176Tyr (NM_001141973.3); c.3241G>T, p.Val1081Leu (NM_001141974.3); short protein forms V1081L.
Identifiers: ClinVar variation 1705239 (VCV001705239.1), dbSNP rs1443725907, ClinGen allele CA338231851.